The following is an entry in ClinVar:

ClinVar aggregate classification (germline): Pathogenic. Review status: reviewed by expert panel (3 of 4 stars). 4 submissions from 4 submitters: Pathogenic (1). 3 of the submissions do not count toward it. Last evaluated 2016-10-18.

Conditions:
Hereditary cancer-predisposing syndrome. Also called: Hereditary Cancer Syndrome; Neoplastic Syndromes, Hereditary; Hereditary neoplastic syndrome; Tumor predisposition. Identifiers: Orphanet 140162, MedGen C0027672, MeSH D009386, MONDO:0015356.
Hereditary breast ovarian cancer syndrome. Also called: Hereditary breast and ovarian cancer syndrome (HBOC); Breast and ovarian cancer; Hereditary breast and ovarian cancer syndrome; Hereditary breast and ovarian cancer; BRCA1- and BRCA2-Associated Hereditary Breast and Ovarian Cancer; Hereditary breast and/or ovarian cancer syndrome. Identifiers: Orphanet 145, MedGen C0677776, MeSH D061325, MONDO:0003582. Disease mechanism: loss of function.
Breast-ovarian cancer, familial, susceptibility to, 1 (BROVCA1). Also called: BRCA1 Hereditary Breast and Ovarian Cancer; OVARIAN CANCER, SUSCEPTIBILITY TO. Identifiers: Orphanet 145, MedGen C2676676, MONDO:0011450, OMIM 604370. Disease mechanism: loss of function.

Allele frequency attached by ClinVar (database versions not stated): gnomAD exomes below 0.00001.

Submissions (4):

Evidence-based Network for the Interpretation of Germline Mutant Alleles (ENIGMA)
Classification: Pathogenic for Breast-ovarian cancer, familial, susceptibility to, 1. Last evaluated: 2016-10-18. Review status: reviewed by expert panel. Criteria: ENIGMA BRCA1/2 Classification Criteria (2015). Collection method: curation. Allele origin: germline.
Comment: Variant allele predicted to encode a truncated non-functional protein.

Labcorp Genetics (formerly Invitae), Labcorp
Classification: Pathogenic for Hereditary breast ovarian cancer syndrome. Last evaluated: 2025-09-09. Review status: criteria provided, single submitter. Criteria: Invitae Variant Classification Sherloc (09022015). Collection method: clinical testing. Allele origin: germline. Not counted in ClinVar's aggregate classification.
Comment: This sequence change creates a premature translational stop signal (p.Gln1069Lysfs*4) in the BRCA1 gene. It is expected to result in an absent or disrupted protein product. Loss-of-function variants in BRCA1 are known to be pathogenic (PMID: 20104584). This variant is not present in population databases (gnomAD no frequency). This premature translational stop signal has been observed in individual(s) with ovarian cancer (PMID: 24728189). ClinVar contains an entry for this variant (Variation ID: 266342). For these reasons, this variant has been classified as Pathogenic.

Ambry Genetics
Classification: Pathogenic for Hereditary cancer-predisposing syndrome. Last evaluated: 2025-08-29. Review status: criteria provided, single submitter. Criteria: Ambry Variant Classification Scheme 2023. Collection method: clinical testing. Allele origin: germline. Not counted in ClinVar's aggregate classification.
Comment: The c.3205delC pathogenic mutation, located in coding exon 9 of the BRCA1 gene, results from a deletion of one nucleotide at nucleotide position 3205, causing a translational frameshift with a predicted alternate stop codon (p.Q1069Kfs*4). In one case control study, this alteration was detected in 1/2222 individuals with invasive epithelial ovarian cancer and 0/1528 matched controls. (Song H et al. Hum Mol Genet, 2014 Sep;23:4703-9). This variant is considered to be rare based on population cohorts in the Genome Aggregation Database (gnomAD). This alteration is expected to result in loss of function by premature protein truncation or nonsense-mediated mRNA decay. As such, this alteration is interpreted as a disease-causing mutation.

Consortium of Investigators of Modifiers of BRCA1/2 (CIMBA), c/o University of Cambridge
Classification: Pathogenic for Breast-ovarian cancer, familial, susceptibility to, 1. Last evaluated: 2015-10-02. Review status: criteria provided, single submitter. Criteria: CIMBA Mutation Classification guidelines May 2016. Collection method: clinical testing. Allele origin: germline. Not counted in ClinVar's aggregate classification.

Literature cited by the submitters: PubMed 20104584 (cited by Labcorp Genetics (formerly Invitae), Labcorp); PubMed 24728189 (cited by Labcorp Genetics (formerly Invitae), Labcorp and Ambry Genetics).

NM_007294.4(BRCA1):c.3205del (p.Gln1069fs)

Gene: BRCA1 (BRCA1 DNA repair associated; minus strand). Cytogenetic location: 17q21.31.
Variant type: Deletion.
Coding change: c.3205del on transcript NM_007294.4 (MANE Select); coding-DNA position 3205, one base deleted (C; older notation c.3205delC).
Protein change: p.Gln1069fs; shifts the reading frame from glutamine 1069.
Molecular consequence: frameshift variant. On other transcripts: intron variant (137).
Genome position (GRCh38, 1-based): chr17:43,092,326, G deleted on the plus strand (C on the coding strand, the reverse complement: BRCA1 is on the minus strand). VCF-style (leftmost placement, unchanged base first): chr17-43092325-TG-T. GRCh37 (hg19) VCF-style: chr17-41244342-TG-T.
Other names: 3324delC; c.2992del, p.Gln998fs (NM_001407571.1, NM_001407853.1, NM_001407894.1 and 9 more transcripts); c.3205del, p.Gln1069fs (NM_001407581.1, NM_001407582.1, NM_001407583.1 and 30 more transcripts); c.3202del, p.Gln1068fs (NM_001407587.1, NM_001407590.1, NM_001407591.1 and 22 more transcripts); c.3196del, p.Gln1066fs (NM_001407646.1, NM_001407647.1); c.3082del, p.Gln1028fs (NM_001407648.1, NM_001407664.1, NM_001407665.1 and 19 more transcripts); c.3079del, p.Gln1027fs (NM_001407649.1, NM_001407670.1, NM_001407671.1 and 11 more transcripts); c.3127del, p.Gln1043fs (NM_001407653.1, NM_001407654.1, NM_001407655.1 and 4 more transcripts); and 42 more; short protein forms Q1022fs, Q1069fs, Q1002fs, Q1043fs, Q957fs, Q980fs, Q1001fs, Q1066fs.
Identifiers: ClinVar variation 266342 (VCV000266342.15), dbSNP rs886040103, ClinGen allele CA10589779.